The following is an entry in ClinVar:

NM_000455.5(STK11):c.653C>G (p.Ala218Gly)

Gene: STK11 (serine/threonine kinase 11; plus strand). Cytogenetic location: 19p13.3.
Variant type: single nucleotide variant.
Coding change: c.653C>G on transcript NM_000455.5 (MANE Select); coding-DNA position 653, C replaced by G.
Protein change: p.Ala218Gly; replaces alanine 218 with glycine.
Molecular consequence: missense variant.
Genome position (GRCh38, 1-based): chr19:1,220,636, C>G. VCF-style: chr19-1220636-C-G. GRCh37 (hg19) VCF-style: chr19-1220635-C-G.
Other names: c.653C>G, p.Ala218Gly (NM_001407255.1); short protein forms A218G.
Identifiers: ClinVar variation 1754099 (VCV001754099.3), dbSNP rs2512943514, ClinGen allele CA402949630.
Genomic context (GRCh38, chr19:1,220,636, plus strand): 5'-CACAGGCACTGCACCCGTTCGCGGCGGACGACACCTGCCGGACCAGCCAGGGCTCCCCGG[C>G]TTTCCAGCCGCCCGAGATTGCCAACGGCCTGGACACCTTCTCCGGCTTCAAGGTGGACAT-3'
Protein context (NP_000446.1, residues 208-228): DTCRTSQGSP[Ala218Gly]FQPPEIANGL

ClinVar aggregate classification (germline): Uncertain significance. Review status: criteria provided, multiple submitters, no conflicts (2 of 4 stars). 3 submissions from 3 submitters: Uncertain significance (3). Last evaluated 2025-12-15.

Conditions:
Hereditary cancer-predisposing syndrome. Also called: Neoplastic Syndromes, Hereditary; Tumor predisposition; Hereditary neoplastic syndrome; Hereditary Cancer Syndrome. Identifiers: Orphanet 140162, MedGen C0027672, MeSH D009386, MONDO:0015356.
Peutz-Jeghers syndrome (PJS). Also called: POLYPOSIS, HAMARTOMATOUS INTESTINAL; POLYPS-AND-SPOTS SYNDROME; Peutz-Jeghers polyposis; Periorificial lentiginosis syndrome. Identifiers: Orphanet 2869, MedGen C0031269, MeSH D010580, MONDO:0008280, OMIM 175200.

Submissions (3):

Labcorp Genetics (formerly Invitae), Labcorp
Classification: Uncertain significance for Peutz-Jeghers syndrome. Last evaluated: 2025-12-15. Review status: criteria provided, single submitter. Criteria: Invitae Variant Classification Sherloc (09022015). Collection method: clinical testing. Allele origin: germline.
Comment: This sequence change replaces alanine, which is neutral and non-polar, with glycine, which is neutral and non-polar, at codon 218 of the STK11 protein (p.Ala218Gly). This variant is not present in population databases (gnomAD no frequency). This variant has not been reported in the literature in individuals affected with STK11-related conditions. ClinVar contains an entry for this variant (Variation ID: 1754099). Invitae Evidence Modeling of protein sequence and biophysical properties (such as structural, functional, and spatial information, amino acid conservation, physicochemical variation, residue mobility, and thermodynamic stability) has been performed for this missense variant. However, the output from this modeling did not meet the statistical confidence thresholds required to predict the impact of this variant on STK11 protein function. In summary, the available evidence is currently insufficient to determine the role of this variant in disease. Therefore, it has been classified as a Variant of Uncertain Significance.

Color Diagnostics, LLC DBA Color Health
Classification: Uncertain significance for Hereditary cancer-predisposing syndrome. Last evaluated: 2025-09-14. Review status: criteria provided, single submitter. Criteria: ACMG Guidelines, 2015. Collection method: clinical testing. Allele origin: germline.
Comment: This missense variant replaces alanine with glycine at codon 218 of the STK11 protein. Computational prediction suggests that this variant may not impact protein structure and function. To our knowledge, functional studies have not been reported for this variant. This variant has not been reported in individuals affected with STK11-related disorders in the literature. This variant has not been identified in the general population by the Genome Aggregation Database (gnomAD). The available evidence is insufficient to determine the role of this variant in disease conclusively. Therefore, this variant is classified as a Variant of Uncertain Significance.

Ambry Genetics
Classification: Uncertain significance for Hereditary cancer-predisposing syndrome. Last evaluated: 2022-09-05. Review status: criteria provided, single submitter. Criteria: Ambry Variant Classification Scheme 2023. Collection method: clinical testing. Allele origin: germline.
Comment: The p.A218G variant (also known as c.653C>G), located in coding exon 5 of the STK11 gene, results from a C to G substitution at nucleotide position 653. The alanine at codon 218 is replaced by glycine, an amino acid with similar properties. This amino acid position is conserved. In addition, the in silico prediction for this alteration is inconclusive. Since supporting evidence is limited at this time, the clinical significance of this alteration remains unclear.